The following is an entry in ClinVar:

NM_005633.4(SOS1):c.3793_3795del (p.Ser1265del)

Gene: SOS1 (SOS Ras/Rac guanine nucleotide exchange factor 1; minus strand). Cytogenetic location: 2p22.1.
Variant type: Deletion.
Coding change: c.3793_3795del on transcript NM_005633.4 (MANE Select); coding-DNA positions 3793 to 3795, 3 bases deleted (TCT; older notation c.3793_3795delTCT).
Protein change: p.Ser1265del; deletes serine 1265.
Molecular consequence: inframe indel (on NM_005633.3).
Genome position (GRCh38, 1-based): chr2:38,986,031-38,986,033, AGA deleted on the plus strand (TCT on the coding strand, the reverse complement: SOS1 is on the minus strand); deleting any 3 consecutive bases within chr2:38,986,031-38,986,035 gives the same sequence; the c. name uses the placement nearest the transcript's 3' end. VCF-style (leftmost placement, unchanged base first): chr2-38986030-GAGA-G. GRCh37 (hg19) VCF-style: chr2-39213171-GAGA-G.
Other names: c.3772_3774del, p.Ser1258del (NM_001382394.1); c.3748_3750del, p.Ser1250del (NM_001382395.1); c.3791_3793delCTT, p.Ser1265del (NM_005633.3); short protein forms S1250del, S1258del, S1265del.
Identifiers: ClinVar variation 3377805 (VCV003377805.1).

ClinVar aggregate classification (germline): Uncertain significance (1 of 4 stars; one submission).

Conditions:
Noonan syndrome 4 (NS4). Also called: SOS1-Related Noonan Syndrome; NOONAN SYNDROME WITH PIGMENTED VILLONODULAR SYNOVITIS. Identifiers: Orphanet 648, MedGen C1853120, MONDO:0012547, OMIM 610733.

Submission:

St. Jude Molecular Pathology, St. Jude Children's Research Hospital
Classification: Uncertain significance for Noonan syndrome 4. Last evaluated: 2024-01-25. Review status: criteria provided, single submitter. Criteria: St. Jude Assertion Criteria 2020. Collection method: clinical testing. Allele origin: germline.
Comment: The SOS1 c.3793_3795del (p.Ser1265del) change deletes three nucleotides at position 3793-3795 resulting in an in-frame deletion of one amino acid at codon 1265 in exon 23. This variant is absent in gnomAD v2.1.1. To our knowledge, this variant has not been reported in individuals with Noonan syndrome. In summary, the evidence currently available is insufficient to determine the clinical significance of this variant. It has therefore been classified as of uncertain significance.